The following is an entry in ClinVar:

NM_003998.4(NFKB1):c.682T>C (p.Phe228Leu)

Gene: NFKB1 (nuclear factor kappa B subunit 1; plus strand). Cytogenetic location: 4q24.
Variant type: single nucleotide variant.
Coding change: c.682T>C on transcript NM_003998.4 (MANE Select); coding-DNA position 682, T replaced by C.
Protein change: p.Phe228Leu; replaces phenylalanine 228 with leucine.
Molecular consequence: missense variant.
Genome position (GRCh38, 1-based): chr4:102,578,991, T>C. VCF-style: chr4-102578991-T-C. GRCh37 (hg19) VCF-style: chr4-103500148-T-C.
Other names: c.679T>C, p.Phe227Leu (NM_001165412.2, NM_001319226.2, NM_001382627.1); c.682T>C, p.Phe228Leu (NM_001382625.1, NM_001382626.1); c.640T>C, p.Phe214Leu (NM_001382628.1); short protein forms F228L, F214L, F227L.
Identifiers: ClinVar variation 3677036 (VCV003677036.2).

ClinVar aggregate classification (germline): Uncertain significance (1 of 4 stars; one submission).

gnomAD v4.1: 15 of 1,613,980 alleles (0.00093%); highest among the groups gnomAD compares: South Asian, 0.013%; no homozygotes.

Submission:

Labcorp Genetics (formerly Invitae), Labcorp
Classification: Uncertain significance. Last evaluated: 2024-08-10. Review status: criteria provided, single submitter. Criteria: Invitae Variant Classification Sherloc (09022015). Collection method: clinical testing. Allele origin: germline.
Comment: This sequence change replaces phenylalanine, which is neutral and non-polar, with leucine, which is neutral and non-polar, at codon 228 of the NFKB1 protein (p.Phe228Leu). This variant is present in population databases (rs781361488, gnomAD 0.01%). This missense change has been observed in individual(s) with common variable immunodeficiency (PMID: 33859323). Advanced modeling of protein sequence and biophysical properties (such as structural, functional, and spatial information, amino acid conservation, physicochemical variation, residue mobility, and thermodynamic stability) performed at Invitae indicates that this missense variant is not expected to disrupt NFKB1 protein function with a negative predictive value of 80%. In summary, the available evidence is currently insufficient to determine the role of this variant in disease. Therefore, it has been classified as a Variant of Uncertain Significance.

Literature cited by the submitters: PubMed 33859323.